The following is an entry in ClinVar:

NM_001282933.2(ZNF341):c.1510C>T (p.Arg504Cys)

Gene: ZNF341 (zinc finger protein 341; plus strand). Cytogenetic location: 20q11.22.
Variant type: single nucleotide variant.
Coding change: c.1510C>T on transcript NM_001282933.2 (MANE Select); coding-DNA position 1510, C replaced by T.
Protein change: p.Arg504Cys; replaces arginine 504 with cysteine.
Molecular consequence: missense variant. On other transcripts: non-coding transcript variant (1).
Genome position (GRCh38, 1-based): chr20:33,770,180, C>T. VCF-style: chr20-33770180-C-T. GRCh37 (hg19) VCF-style: chr20-32357986-C-T.
Other names: c.1489C>T (NM_032819.3); c.1240C>T, p.Arg414Cys (NM_001282935.2); c.1489C>T, p.Arg497Cys (NM_032819.5); short protein forms R497C, R414C, R504C.
Identifiers: ClinVar variation 1517614 (VCV001517614.7), dbSNP rs373741402, ClinGen allele CA9819464.
Genomic context (GRCh38, chr20:33,770,180, plus strand): 5'-TTCCCAAAGCTCGACACATTTCTGGAGCACATCAAGAGCCACCAGGAGGAGCTGAGCTAC[C>T]GCTGCCACCTCTGCGGCAAGGACTTCCCCTCGCTGTACGACCTGGGCGTGCACCAGTACT-3'
Protein context (NP_001269862.1, residues 494-514): IKSHQEELSY[Arg504Cys]CHLCGKDFPS

ClinVar aggregate classification (germline): Uncertain significance. Review status: criteria provided, multiple submitters, no conflicts (2 of 4 stars). 2 submissions from 2 submitters: Uncertain significance (2). Last evaluated 2024-12-16.

Allele frequency attached by ClinVar (database versions not stated): ESP Exome Variant Server 0.00008; ExAC 0.00001; gnomAD exomes 0.00001; TOPMed 0.00002; gnomAD 0.00003.
gnomAD v4.1: 21 of 1,614,062 alleles (0.0013%); highest among the groups gnomAD compares: African/African-American, 0.0053%; no homozygotes.

Submissions (2):

Ambry Genetics
Classification: Uncertain significance. Last evaluated: 2024-12-16. Review status: criteria provided, single submitter. Criteria: Ambry Variant Classification Scheme 2023. Collection method: clinical testing. Allele origin: germline.

Labcorp Genetics (formerly Invitae), Labcorp
Classification: Uncertain significance. Last evaluated: 2023-08-24. Review status: criteria provided, single submitter. Criteria: Invitae Variant Classification Sherloc (09022015). Collection method: clinical testing. Allele origin: germline.
Comment: An algorithm developed to predict the effect of missense changes on protein structure and function (PolyPhen-2) suggests that this variant is likely to be disruptive. ClinVar contains an entry for this variant (Variation ID: 1517614). In summary, the available evidence is currently insufficient to determine the role of this variant in disease. Therefore, it has been classified as a Variant of Uncertain Significance. This sequence change replaces arginine, which is basic and polar, with cysteine, which is neutral and slightly polar, at codon 497 of the ZNF341 protein (p.Arg497Cys). This variant has not been reported in the literature in individuals affected with ZNF341-related conditions. This variant is present in population databases (rs373741402, gnomAD 0.006%).